The following is an entry in ClinVar:

ClinVar aggregate classification (germline): Conflicting classifications of pathogenicity. Review status: criteria provided, conflicting classifications (1 of 4 stars). 8 submissions from 8 submitters: Uncertain significance (2); Likely benign (4). 2 of the submissions do not count toward it. Last evaluated 2026-01-13.

Conditions:
Hypomaturation-hypoplastic amelogenesis imperfecta with taurodontism. Also called: Amelogenesis imperfecta, type IV. Identifiers: Orphanet 100034, Orphanet 88661, MedGen C1863012, MONDO:0007093, OMIM 104510. Disease mechanism: loss of function.
Inborn genetic diseases. Identifiers: MedGen C0950123, MeSH D030342.
DLX3-related disorder. Also called: DLX3-related condition.

Allele frequency attached by ClinVar (database versions not stated): 1000 Genomes Project 30x 0.00016; 1000 Genomes Project 0.00020; TOPMed 0.00040; gnomAD exomes 0.00051 and 0.00072; gnomAD 0.00058; ESP Exome Variant Server 0.00069; ExAC 0.00083.
gnomAD v4.1: 815 of 1,614,138 alleles (0.05%); highest among the groups gnomAD compares: Non-Finnish European, 0.057%; no homozygotes.

Submissions (8):

Labcorp Genetics (formerly Invitae), Labcorp
Classification: Likely benign. Last evaluated: 2026-01-13. Review status: criteria provided, single submitter. Criteria: Invitae Variant Classification Sherloc (09022015). Collection method: clinical testing. Allele origin: germline.

PreventionGenetics, part of Exact Sciences
Classification: Likely benign for DLX3-related condition. Last evaluated: 2025-05-28. Review status: criteria provided, single submitter. Criteria: ACMG Guidelines, 2015. Collection method: clinical testing. Allele origin: germline.
Comment: This variant is classified as likely benign based on ACMG/AMP sequence variant interpretation guidelines (Richards et al. 2015 PMID: 25741868, with internal and published modifications).

Blueprint Genetics
Classification: Likely benign. Last evaluated: 2024-11-05. Review status: criteria provided, single submitter. Criteria: ACMG Guidelines, 2015. Collection method: clinical testing. Allele origin: germline.

Ambry Genetics
Classification: Uncertain significance for Inborn genetic diseases. Last evaluated: 2023-03-07. Review status: criteria provided, single submitter. Criteria: Ambry Variant Classification Scheme 2023. Collection method: clinical testing. Allele origin: germline.

Illumina Laboratory Services, Illumina
Classification: Likely benign for Hypomaturation-hypoplastic amelogenesis imperfecta with taurodontism. Last evaluated: 2018-01-13. Review status: criteria provided, single submitter. Criteria: ICSL Variant Classification Criteria 13 December 2019. Collection method: clinical testing. Allele origin: germline.
Comment: This variant was observed in the ICSL laboratory as part of a predisposition screen in an ostensibly healthy population. It had not been previously curated by ICSL or reported in the Human Gene Mutation Database (HGMD: prior to June 1st, 2018), and was therefore a candidate for classification through an automated scoring system. Utilizing variant allele frequency, disease prevalence and penetrance estimates, and inheritance mode, an automated score was calculated to assess if this variant is too frequent to cause the disease. Based on the score and internal cut-off values, a variant classified as likely benign is not then subjected to further curation. The score for this variant resulted in a classification of likely benign for this disease.

Eurofins Ntd Llc (ga)
Classification: Uncertain significance. Last evaluated: 2016-08-26. Review status: criteria provided, single submitter. Criteria: EGL Classification Definitions 2015. Collection method: clinical testing. Allele origin: germline. Observed: 1 variant allele, 1 heterozygote.

Clinical Genetics DNA and cytogenetics Diagnostics Lab, Erasmus MC, Erasmus Medical Center
Classification: Likely benign. Review status: no assertion criteria provided. Collection method: clinical testing. Allele origin: germline. Affected: yes. Study: VKGL Data-share Consensus. Not counted in ClinVar's aggregate classification.

Laboratory of Diagnostic Genome Analysis, Leiden University Medical Center (LUMC)
Classification: Likely benign. Review status: no assertion criteria provided. Collection method: clinical testing. Allele origin: germline. Affected: yes. Study: VKGL Data-share Consensus. Not counted in ClinVar's aggregate classification.

NM_005220.3(DLX3):c.82G>T (p.Asp28Tyr)

Gene: DLX3 (distal-less homeobox 3; minus strand). Cytogenetic location: 17q21.33.
Variant type: single nucleotide variant.
Coding change: c.82G>T on transcript NM_005220.3 (MANE Select); coding-DNA position 82, G replaced by T.
Protein change: p.Asp28Tyr; replaces aspartic acid 28 with tyrosine.
Molecular consequence: missense variant.
Genome position (GRCh38, 1-based): chr17:49,994,917, C>A on the plus strand (G>T on the coding strand, the complement: DLX3 is on the minus strand). VCF-style: chr17-49994917-C-A. GRCh37 (hg19) VCF-style: chr17-48072281-C-A.
Other names: short protein forms D28Y.
Identifiers: ClinVar variation 290750 (VCV000290750.22), dbSNP rs147702169, ClinGen allele CA8641120.
Genomic context (GRCh38, chr17:49,994,917, plus strand): 5'-GCTGGGGAGCGCTGTAGTAGCCCAGGTCAGTGACAGAAGACTCGGGCAGGGTAGGCGAGT[C>A]CTTGGAGCCCGCATGGCAGCTAAGGGAGCTGGAGATGTCGGTGAGGATGCTGCTGAGCTT-3'
Protein context (NP_005211.1, residues 18-38): SSLSCHAGSK[Asp28Tyr]SPTLPESSVT